The following is an entry in ClinVar:

NM_018723.4(RBFOX1):c.995+2T>A

Gene: RBFOX1 (RNA binding fox-1 homolog 1; plus strand). Cytogenetic location: 16p13.3.
Variant type: single nucleotide variant.
Coding change: c.995+2T>A on transcript NM_018723.4 (MANE Select); the canonical splice donor site of the intron after coding-DNA position 995, T replaced by A.
Molecular consequence: splice donor variant.
Genome position (GRCh38, 1-based): chr16:7,676,840, T>A. VCF-style: chr16-7676840-T-A. GRCh37 (hg19) VCF-style: chr16-7726842-T-A.
Other names: c.1592+2T>A (NM_001415887.1); c.1511+2T>A (NM_001415888.1); c.995+2T>A (NM_001364800.2, NM_001142334.2); c.914+2T>A (NM_001142333.2); c.1124+2T>A (NM_001415895.1, NM_001415891.1, NM_001411047.1 and 1 more transcripts); c.1043+2T>A (NM_001415907.1, NM_001415897.1); c.1031+2T>A (NM_001415908.1); c.950+2T>A (NM_001415914.1); and 13 more.
Identifiers: ClinVar variation 1010715 (VCV001010715.9), dbSNP rs1597855236, ClinGen allele CA394684104.
Genomic context (GRCh38, chr16:7,676,840, plus strand): 5'-TATGCTGCATACCGCTACGCCCAGCCTACCCCTGCCACTGCCGCTGCCTACAGTGACAGG[T>A]AAGGGTCATCCTTCTTGTGCTTGACAACTACTTGTAAATTAACTTAGTTGATGGGAGAGG-3'

ClinVar aggregate classification (germline): Uncertain significance (1 of 4 stars; one submission).

Conditions:
Idiopathic generalized epilepsy. Also called: Generalised epilepsy; EIG. Identifiers: MedGen C0270850, MONDO:0005579, OMIM 600669.

Allele frequency attached by ClinVar (database versions not stated): TOPMed below 0.00001.

Submission:

Labcorp Genetics (formerly Invitae), Labcorp
Classification: Uncertain significance for Idiopathic generalized epilepsy. Last evaluated: 2020-01-19. Review status: criteria provided, single submitter. Criteria: Invitae Variant Classification Sherloc (09022015). Collection method: clinical testing. Allele origin: germline.
Comment: In summary, the available evidence is currently insufficient to determine the role of this variant in disease. Therefore, it has been classified as a Variant of Uncertain Significance. The current clinical and genetic evidence is not sufficient to establish whether loss-of-function variants in RBFOX1 cause disease. Algorithms developed to predict the effect of sequence changes on RNA splicing suggest that this variant may disrupt the consensus splice site, but this prediction has not been confirmed by published transcriptional studies. This variant has not been reported in the literature in individuals with RBFOX1-related conditions. This variant is not present in population databases (ExAC no frequency). This sequence change affects a donor splice site in intron 11 of the RBFOX1 gene. It is expected to disrupt RNA splicing and likely results in an absent or disrupted protein product.